The following is an entry in ClinVar:

ClinVar aggregate classification (germline): Pathogenic. Review status: criteria provided, multiple submitters, no conflicts (2 of 4 stars). 2 submissions from 2 submitters: Pathogenic (2). Last evaluated 2023-06-15.

Conditions:
Hereditary diffuse gastric adenocarcinoma (HDGC). Also called: DIFFUSE GASTRIC AND LOBULAR BREAST CANCER SYNDROME. Identifiers: Orphanet 26106, MedGen C1708349, MONDO:0007648, OMIM 137215.

Submissions (2):

Myriad Genetics, Inc.
Classification: Pathogenic for Hereditary diffuse gastric adenocarcinoma. Last evaluated: 2023-06-15. Review status: criteria provided, single submitter. Criteria: Myriad Autosomal Dominant, Autosomal Recessive and X-Linked Classification Criteria (2023). Collection method: clinical testing. Allele origin: unknown.
Comment: This variant is considered pathogenic. This variant creates a termination codon and is predicted to result in premature protein truncation.

Labcorp Genetics (formerly Invitae), Labcorp
Classification: Pathogenic for Hereditary diffuse gastric adenocarcinoma. Last evaluated: 2023-04-07. Review status: criteria provided, single submitter. Criteria: Invitae Variant Classification Sherloc (09022015). Collection method: clinical testing. Allele origin: germline.
Comment: For these reasons, this variant has been classified as Pathogenic. Algorithms developed to predict the effect of sequence changes on RNA splicing suggest that this variant may create or strengthen a splice site. ClinVar contains an entry for this variant (Variation ID: 2032638). This variant has not been reported in the literature in individuals affected with CDH1-related conditions. This variant is not present in population databases (gnomAD no frequency). This sequence change creates a premature translational stop signal (p.Arg734*) in the CDH1 gene. It is expected to result in an absent or disrupted protein product. Loss-of-function variants in CDH1 are known to be pathogenic (PMID: 15235021, 20373070).

Literature cited by the submitters: PubMed 15235021 (cited by Labcorp Genetics (formerly Invitae), Labcorp); PubMed 20373070 (cited by Labcorp Genetics (formerly Invitae), Labcorp).

NM_004360.5(CDH1):c.2200A>T (p.Arg734Ter)

Gene: CDH1 (cadherin 1; plus strand). Cytogenetic location: 16q22.1.
Variant type: single nucleotide variant.
Coding change: c.2200A>T on transcript NM_004360.5 (MANE Select); coding-DNA position 2200, A replaced by T.
Protein change: p.Arg734Ter; replaces arginine 734 with a stop codon.
Molecular consequence: nonsense.
Genome position (GRCh38, 1-based): chr16:68,828,209, A>T. VCF-style: chr16-68828209-A-T. GRCh37 (hg19) VCF-style: chr16-68862112-A-T.
Other names: c.2017A>T, p.Arg673Ter (NM_001317184.2); c.652A>T, p.Arg218Ter (NM_001317185.2); c.235A>T, p.Arg79Ter (NM_001317186.2); short protein forms R673*, R218*, R734*, R79*.
Identifiers: ClinVar variation 2032638 (VCV002032638.6), dbSNP rs2152141420, ClinGen allele CA396469520.